The following is an entry in ClinVar:

ClinVar aggregate classification (germline): Uncertain significance. Review status: criteria provided, multiple submitters, no conflicts (2 of 4 stars). 2 submissions from 2 submitters: Uncertain significance (2). Last evaluated 2025-09-05.

Conditions:
Intellectual developmental disorder, autosomal dominant 1. Also called: Intellectual disability, autosomal dominant 1; MBD5 Haploinsufficiency. Identifiers: Orphanet 228402, MedGen C1969562, MONDO:0007974, OMIM 156200.
Inborn genetic diseases. Identifiers: MedGen C0950123, MeSH D030342.

Allele frequency attached by ClinVar (database versions not stated): gnomAD 0.00001; TOPMed 0.00001.
gnomAD v4.1: 11 of 1,613,740 alleles (0.00068%); highest among the groups gnomAD compares: Non-Finnish European, 0.00093%; no homozygotes.

Submissions (2):

Ambry Genetics
Classification: Uncertain significance for Inborn genetic diseases. Last evaluated: 2025-09-05. Review status: criteria provided, single submitter. Criteria: Ambry Variant Classification Scheme 2023. Collection method: clinical testing. Allele origin: germline.

Labcorp Genetics (formerly Invitae), Labcorp
Classification: Uncertain significance for Intellectual developmental disorder, autosomal dominant 1. Last evaluated: 2024-01-15. Review status: criteria provided, single submitter. Criteria: Invitae Variant Classification Sherloc (09022015). Collection method: clinical testing. Allele origin: germline.
Comment: This sequence change replaces methionine, which is neutral and non-polar, with isoleucine, which is neutral and non-polar, at codon 314 of the MBD5 protein (p.Met314Ile). This variant is present in population databases (no rsID available, gnomAD no frequency). This variant has not been reported in the literature in individuals affected with MBD5-related conditions. ClinVar contains an entry for this variant (Variation ID: 2072560). Advanced modeling of protein sequence and biophysical properties (such as structural, functional, and spatial information, amino acid conservation, physicochemical variation, residue mobility, and thermodynamic stability) performed at Invitae indicates that this missense variant is not expected to disrupt MBD5 protein function with a negative predictive value of 80%. In summary, the available evidence is currently insufficient to determine the role of this variant in disease. Therefore, it has been classified as a Variant of Uncertain Significance.

NM_001378120.1(MBD5):c.942G>A (p.Met314Ile)

Gene: MBD5 (methyl-CpG binding domain protein 5; plus strand). Cytogenetic location: 2q23.1.
Variant type: single nucleotide variant.
Coding change: c.942G>A on transcript NM_001378120.1 (MANE Select); coding-DNA position 942, G replaced by A.
Protein change: p.Met314Ile; replaces methionine 314 with isoleucine.
Molecular consequence: missense variant.
Genome position (GRCh38, 1-based): chr2:148,468,885, G>A. VCF-style: chr2-148468885-G-A. GRCh37 (hg19) VCF-style: chr2-149226454-G-A.
Other names: c.942G>A, p.Met314Ile (NM_018328.5); c.942G>A (NM_018328.4); short protein forms M314I.
Identifiers: ClinVar variation 2072560 (VCV002072560.5), dbSNP rs1369630280, ClinGen allele CA348718039.